The following is an entry in ClinVar:

ClinVar aggregate classification (germline): Uncertain significance. Review status: criteria provided, multiple submitters, no conflicts (2 of 4 stars). 3 submissions from 3 submitters: Uncertain significance (3). Last evaluated 2025-10-31.

Conditions:
Inborn genetic diseases. Identifiers: MedGen C0950123, MeSH D030342.

Allele frequency attached by ClinVar (database versions not stated): TOPMed below 0.00001; ExAC 0.00001.
gnomAD v4.1: 1 of 1,552,238 alleles (0.000064%); no homozygotes.

Submissions (3):

GeneDx
Classification: Uncertain significance. Last evaluated: 2025-10-31. Review status: criteria provided, single submitter. Criteria: GeneDx Variant Classification Process June 2021. Collection method: clinical testing. Allele origin: germline.
Comment: Not observed at significant frequency in large population cohorts (gnomAD); In silico analysis supports that this missense variant has a deleterious effect on protein structure/function; Has not been previously published as pathogenic or benign to our knowledge

Ambry Genetics
Classification: Uncertain significance for Inborn genetic diseases. Last evaluated: 2025-01-10. Review status: criteria provided, single submitter. Criteria: Ambry Variant Classification Scheme 2023. Collection method: clinical testing. Allele origin: germline.

Labcorp Genetics (formerly Invitae), Labcorp
Classification: Uncertain significance. Last evaluated: 2023-08-04. Review status: criteria provided, single submitter. Criteria: Invitae Variant Classification Sherloc (09022015). Collection method: clinical testing. Allele origin: germline.
Comment: This sequence change replaces cysteine, which is neutral and slightly polar, with tyrosine, which is neutral and polar, at codon 2248 of the OTOGL protein (p.Cys2248Tyr). The frequency data for this variant in the population databases is considered unreliable, as metrics indicate poor data quality at this position in the gnomAD database. This variant has not been reported in the literature in individuals affected with OTOGL-related conditions. ClinVar contains an entry for this variant (Variation ID: 1450854). An algorithm developed to predict the effect of missense changes on protein structure and function (PolyPhen-2) suggests that this variant is likely to be disruptive. In summary, the available evidence is currently insufficient to determine the role of this variant in disease. Therefore, it has been classified as a Variant of Uncertain Significance.

NM_001378609.3(OTOGL):c.6770G>A (p.Cys2257Tyr)

Gene: OTOGL (otogelin like; plus strand). Cytogenetic location: 12q21.31.
Variant type: single nucleotide variant.
Coding change: c.6770G>A on transcript NM_001378609.3 (MANE Select); coding-DNA position 6770, G replaced by A.
Protein change: p.Cys2257Tyr; replaces cysteine 2257 with tyrosine.
Molecular consequence: missense variant.
Genome position (GRCh38, 1-based): chr12:80,372,053, G>A. VCF-style: chr12-80372053-G-A. GRCh37 (hg19) VCF-style: chr12-80765833-G-A.
Other names: c.6743G>A (NM_173591.3); c.6635G>A, p.Cys2212Tyr (NM_001368062.3); c.6770G>A, p.Cys2257Tyr (NM_001378610.3, NM_173591.7); short protein forms C2212Y, C2257Y.
Identifiers: ClinVar variation 1450854 (VCV001450854.11), dbSNP rs774032993, ClinGen allele CA6702143.